The following is an entry in ClinVar:

NM_001042492.3(NF1):c.5103_5104del (p.Lys1701_Gly1702insTer)

Gene: NF1 (neurofibromin 1; plus strand). Cytogenetic location: 17q11.2.
Variant type: Deletion.
Coding change: c.5103_5104del on transcript NM_001042492.3 (MANE Select); coding-DNA positions 5103 to 5104, 2 bases deleted (AG; older notation c.5103_5104delAG).
Protein change: p.Lys1701_Gly1702insTer.
Molecular consequence: frameshift variant. On other transcripts: nonsense (1).
Genome position (GRCh38, 1-based): chr17:31,326,087-31,326,088, AG deleted. VCF-style (leftmost placement, unchanged base first): chr17-31326086-AAG-A. GRCh37 (hg19) VCF-style: chr17-29653104-AAG-A.
Other names: c.5040_5041delAG, p.Gly1681Terfs (NM_000267.4).
Identifiers: ClinVar variation 3030558 (VCV003030558.2), dbSNP rs2508697143, ClinGen allele CA2740095306.

ClinVar aggregate classification (germline): Pathogenic (0 of 4 stars; one submission).

Conditions:
NF1-related disorder. Also called: NF1-related condition. Identifiers: MedGen CN379171.

Submission:

PreventionGenetics, part of Exact Sciences
Classification: Pathogenic for NF1-related condition. Last evaluated: 2023-11-20. Review status: no assertion criteria provided. Collection method: clinical testing. Allele origin: germline.
Comment: The NF1 c.5103_5104delAG variant is predicted to result in premature protein termination (p.Gly1702*). To our knowledge, this variant has not been reported in the literature or in a large population database, indicating this variant is rare. Nonsense variants in NF1 are expected to be pathogenic and many protein-truncating variants upstream and downstream of this variant have been reported (HGMD, ClinVar). This variant is interpreted as pathogenic.